The following is an entry in ClinVar:

ClinVar aggregate classification (germline): Uncertain significance. Review status: criteria provided, multiple submitters, no conflicts (2 of 4 stars). 5 submissions from 5 submitters: Uncertain significance (5). Last evaluated 2026-01-12.

Conditions:
Usher syndrome type 3B. Also called: USHER SYNDROME, TYPE IIIB. Identifiers: MedGen C3281066, MONDO:0013788, OMIM 614504.
Spastic ataxia. Identifiers: Orphanet 316226, MedGen C1849156, MONDO:0017845, HP:0002497.

Allele frequency attached by ClinVar (database versions not stated): ExAC 0.00001; gnomAD 0.00001 and 0.00002; gnomAD exomes 0.00001 and 0.00002; TOPMed 0.00003.

Submissions (5):

Labcorp Genetics (formerly Invitae), Labcorp
Classification: Uncertain significance for Usher syndrome type 3B. Last evaluated: 2026-01-12. Review status: criteria provided, single submitter. Criteria: Invitae Variant Classification Sherloc (09022015). Collection method: clinical testing. Allele origin: germline.
Comment: This sequence change replaces arginine, which is basic and polar, with tryptophan, which is neutral and slightly polar, at codon 68 of the HARS protein (p.Arg68Trp). This variant is present in population databases (rs757279674, gnomAD 0.004%). This variant has not been reported in the literature in individuals affected with HARS-related conditions. ClinVar contains an entry for this variant (Variation ID: 965845). Invitae Evidence Modeling of protein sequence and biophysical properties (such as structural, functional, and spatial information, amino acid conservation, physicochemical variation, residue mobility, and thermodynamic stability) indicates that this missense variant is not expected to disrupt HARS protein function with a negative predictive value of 80%. In summary, the available evidence is currently insufficient to determine the role of this variant in disease. Therefore, it has been classified as a Variant of Uncertain Significance.

Blueprint Genetics
Classification: Uncertain significance. Last evaluated: 2023-12-15. Review status: criteria provided, single submitter. Criteria: ACMG Guidelines, 2015. Collection method: clinical testing. Allele origin: germline.

Revvity Omics, Revvity
Classification: Uncertain significance. Last evaluated: 2023-08-02. Review status: criteria provided, single submitter. Criteria: ACMG Guidelines, 2015. Collection method: clinical testing. Allele origin: germline.

Women's Health and Genetics/Laboratory Corporation of America, LabCorp
Classification: Uncertain significance. Last evaluated: 2023-05-11. Review status: criteria provided, single submitter. Criteria: LabCorp Variant Classification Summary - May 2015. Collection method: clinical testing. Allele origin: germline.
Comment: Variant summary: HARS c.202C>T (p.Arg68Trp) results in a non-conservative amino acid change located in the Aminoacyl-tRNA synthetase, class II domain (IPR006195) of the encoded protein sequence. Three of four in-silico tools predict a damaging effect of the variant on protein function. The variant allele was found at a frequency of 2e-05 in 251436 control chromosomes (gnomAD). The available data on variant occurrences in the general population are insufficient to allow any conclusion about variant significance. To our knowledge, no occurrence of c.202C>T in individuals affected with Usher Syndrome and no experimental evidence demonstrating its impact on protein function have been reported. The following publication has been ascertained in the context of this evaluation (PMID: 34445196). Two ClinVar submitters have assessed the variant since 2014: the variant was classified as uncertain significance. Based on the evidence outlined above, the variant was classified as uncertain significance.

Molecular Medicine for Neurodegenerative and Neuromuscular Diseases Unit, IRCCS Fondazione Stella Maris
Classification: Uncertain significance for Spastic ataxia. Last evaluated: 2021-01-04. Review status: criteria provided, single submitter. Criteria: ACMG Guidelines, 2015. Collection method: research. Allele origin: unknown. Affected: yes.

Literature cited by the submitters: PubMed 34445196 (cited by Women's Health and Genetics/Laboratory Corporation of America, LabCorp).

NM_002109.6(HARS1):c.202C>T (p.Arg68Trp)

Gene: HARS1 (histidyl-tRNA synthetase 1; minus strand). Cytogenetic location: 5q31.3.
Variant type: single nucleotide variant.
Coding change: c.202C>T on transcript NM_002109.6 (MANE Select); coding-DNA position 202, C replaced by T.
Protein change: p.Arg68Trp; replaces arginine 68 with tryptophan.
Molecular consequence: missense variant. On other transcripts: intron variant (3).
Genome position (GRCh38, 1-based): chr5:140,683,198, G>A on the plus strand (C>T on the coding strand, the complement: HARS1 is on the minus strand). VCF-style: chr5-140683198-G-A. GRCh37 (hg19) VCF-style: chr5-140062783-G-A.
Other names: c.202C>T, p.Arg68Trp (NM_001258041.3, NM_001289092.2); c.115C>T, p.Arg39Trp (NM_001289094.2); c.181-5183C>T (NM_001289093.2); c.181-3315C>T (NM_001258042.3, NM_001258040.3); short protein forms R39W, R68W.
Identifiers: ClinVar variation 965845 (VCV000965845.15), dbSNP rs757279674, ClinGen allele CA3444167.
Genomic context (GRCh38, chr5:140,683,198, plus strand): 5'-CGTGGCGCTTGAAGCAACGGATGATTACGTCAAACACCTTCTCGCGAACTGCCATCTGCC[G>A]GGGACTATAGTCTCTTGTGCCCTTGGAGTTGAAATCAGCCAGAGAACCAGAAATGAGGTT-3'
Protein context (NP_002100.2, residues 58-78): TPKGTRDYSP[Arg68Trp]QMAVREKVFD